The following is an entry in ClinVar:

NM_005853.6(IRX5):c.918G>A (p.Glu306=)

Gene: IRX5 (iroquois homeobox 5; plus strand). Cytogenetic location: 16q12.2.
Variant type: single nucleotide variant.
Coding change: c.918G>A on transcript NM_005853.6 (MANE Select); coding-DNA position 918, G replaced by A.
Protein change: p.Glu306=; no amino-acid change (glutamic acid 306 retained).
Molecular consequence: synonymous variant.
Genome position (GRCh38, 1-based): chr16:54,933,339, G>A. VCF-style: chr16-54933339-G-A. GRCh37 (hg19) VCF-style: chr16-54967251-G-A.
Other names: c.915G>A, p.Glu305= (NM_001252197.1).
Identifiers: ClinVar variation 782411 (VCV000782411.27), dbSNP rs563304042, ClinGen allele CA8059302.

ClinVar aggregate classification (germline): Likely benign. Review status: criteria provided, multiple submitters, no conflicts (2 of 4 stars). 2 submissions from 2 submitters: Likely benign (2). Last evaluated 2022-03-01.

Allele frequency attached by ClinVar (database versions not stated): ExAC below 0.00001; gnomAD 0.00004 and 0.00005; TOPMed 0.00006; gnomAD exomes 0.00007 and 0.00010; 1000 Genomes Project 30x 0.00016; 1000 Genomes Project 0.00020.

Submissions (2):

CeGaT Center for Human Genetics Tuebingen
Classification: Likely benign. Last evaluated: 2022-03-01. Review status: criteria provided, single submitter. Criteria: CeGaT Center For Human Genetics Tuebingen Variant Classification Criteria Version 2. Collection method: clinical testing. Allele origin: germline. Affected: yes. Observed: 1 variant allele.
Comment: IRX5: BP4, BP7

Labcorp Genetics (formerly Invitae), Labcorp
Classification: Likely benign. Last evaluated: 2018-05-31. Review status: criteria provided, single submitter. Criteria: Invitae Variant Classification Sherloc (09022015). Collection method: clinical testing. Allele origin: germline.